The following is an entry in ClinVar:

ClinVar aggregate classification (germline): Uncertain significance (1 of 4 stars; one submission).

Conditions:
Hereditary breast ovarian cancer syndrome. Also called: BRCA1- and BRCA2-Associated Hereditary Breast and Ovarian Cancer; Hereditary breast and ovarian cancer; Hereditary breast and/or ovarian cancer syndrome; Hereditary breast and ovarian cancer syndrome (HBOC); Breast and ovarian cancer; Hereditary breast and ovarian cancer syndrome. Identifiers: Orphanet 145, MedGen C0677776, MeSH D061325, MONDO:0003582. Disease mechanism: loss of function.

Submission:

Labcorp Genetics (formerly Invitae), Labcorp
Classification: Uncertain significance for Hereditary breast ovarian cancer syndrome. Last evaluated: 2021-12-15. Review status: criteria provided, single submitter. Criteria: Invitae Variant Classification Sherloc (09022015). Collection method: clinical testing. Allele origin: germline.
Comment: Experimental studies and prediction algorithms are not available or were not evaluated, and the functional significance of this variant is currently unknown. This variant has not been reported in the literature in individuals affected with BRCA2-related conditions. This variant is not present in population databases (gnomAD no frequency). This variant, c.3858_3860dup, results in the insertion of 1 amino acid(s) of the BRCA2 protein (p.Lys1286dup), but otherwise preserves the integrity of the reading frame. In summary, the available evidence is currently insufficient to determine the role of this variant in disease. Therefore, it has been classified as a Variant of Uncertain Significance.

NM_000059.4(BRCA2):c.3858_3860dup (p.Lys1286dup)

Gene: BRCA2 (BRCA2 DNA repair associated; plus strand). Cytogenetic location: 13q13.1.
Variant type: Duplication.
Coding change: c.3858_3860dup on transcript NM_000059.4 (MANE Select); coding-DNA positions 3858 to 3860, 3 bases duplicated (AAA; older notation c.3858_3860dupAAA).
Protein change: p.Lys1286dup; duplicates lysine 1286.
Molecular consequence: inframe insertion.
Genome position (GRCh38, 1-based): chr13:32,338,213-32,338,215, AAA duplicated; duplicating any 3 consecutive bases within chr13:32,338,209-32,338,215 gives the same sequence; the c. name uses the placement nearest the transcript's 3' end. VCF-style (leftmost placement, unchanged base first): chr13-32338208-G-GAAA. GRCh37 (hg19) VCF-style: chr13-32912345-G-GAAA.
Identifiers: ClinVar variation 1511578 (VCV001511578.6), dbSNP rs80359406, ClinGen allele CA2082821374.
Genomic context (GRCh38, chr13:32,338,208, plus strand): 5'-TGTCATGATTCTGTTGTTTCAATGTTTAAGATAGAAAATCATAATGATAAAACTGTAAGT[G>GAAA]AAAAAAATAATAAATGCCAACTGATATTACAAAATAATATTGAAATGACTACTGGCACTT-3'